The following is an entry in ClinVar:

NM_018418.5(SPATA7):c.1453T>C (p.Phe485Leu)

Gene: SPATA7 (spermatogenesis associated 7; plus strand). Cytogenetic location: 14q31.3.
Variant type: single nucleotide variant.
Coding change: c.1453T>C on transcript NM_018418.5 (MANE Select); coding-DNA position 1453, T replaced by C.
Protein change: p.Phe485Leu; replaces phenylalanine 485 with leucine.
Molecular consequence: missense variant.
Genome position (GRCh38, 1-based): chr14:88,438,075, T>C. VCF-style: chr14-88438075-T-C. GRCh37 (hg19) VCF-style: chr14-88904419-T-C.
Other names: c.1357T>C, p.Phe453Leu (NM_001040428.4); c.1453T>C (NM_018418.4); short protein forms F453L, F485L.
Identifiers: ClinVar variation 1366731 (VCV001366731.10), dbSNP rs1566790849, ClinGen allele CA390571980.
Genomic context (GRCh38, chr14:88,438,075, plus strand): 5'-CAACAATACCAAAAGGCTTTGGATATGTTATTGTCGGCACCAAAGGATGAGAACGAGATA[T>C]TCCCTTCACCAACTGAATTTTTCATGCCTATTTATAAATCAAAGCATTCAGAAGGGGTTA-3'
Protein context (NP_060888.2, residues 475-495): LSAPKDENEI[Phe485Leu]PSPTEFFMPI

ClinVar aggregate classification (germline): Uncertain significance. Review status: criteria provided, multiple submitters, no conflicts (2 of 4 stars). 3 submissions from 3 submitters: Uncertain significance (3). Last evaluated 2023-10-01.

Conditions:
Inborn genetic diseases. Identifiers: MedGen C0950123, MeSH D030342.
Retinal dystrophy. Also called: Inherited retinal dystrophy. Identifiers: Orphanet 71862, MedGen C0854723, MeSH D058499, MONDO:0019118, HP:0000556.
Leber congenital amaurosis 3 (LCA3). Also called: SPATA7-Related Retinitis Pigmentosa. Identifiers: MedGen C1858677, MONDO:0011415, OMIM 604232.

Allele frequency attached by ClinVar (database versions not stated): gnomAD exomes below 0.00001.
gnomAD v4.1: 4 of 1,614,154 alleles (0.00025%); highest among the groups gnomAD compares: South Asian, 0.0033%; no homozygotes.

Submissions (3):

Dept Of Ophthalmology, Nagoya University
Classification: Uncertain significance for Retinal dystrophy. Last evaluated: 2023-10-01. Review status: criteria provided, single submitter. Criteria: Submitter's publication. Collection method: research. Allele origin: germline. Affected: yes.

Ambry Genetics
Classification: Uncertain significance for Inborn genetic diseases. Last evaluated: 2023-01-26. Review status: criteria provided, single submitter. Criteria: Ambry Variant Classification Scheme 2023. Collection method: clinical testing. Allele origin: germline.

Labcorp Genetics (formerly Invitae), Labcorp
Classification: Uncertain significance for Leber congenital amaurosis 3. Last evaluated: 2022-07-05. Review status: criteria provided, single submitter. Criteria: Invitae Variant Classification Sherloc (09022015). Collection method: clinical testing. Allele origin: germline.
Comment: Algorithms developed to predict the effect of missense changes on protein structure and function output the following: SIFT: "Tolerated"; PolyPhen-2: "Benign"; Align-GVGD: "Class C0". The leucine amino acid residue is found in multiple mammalian species, which suggests that this missense change does not adversely affect protein function. In summary, the available evidence is currently insufficient to determine the role of this variant in disease. Therefore, it has been classified as a Variant of Uncertain Significance. ClinVar contains an entry for this variant (Variation ID: 1366731). This variant has not been reported in the literature in individuals affected with SPATA7-related conditions. This variant is not present in population databases (gnomAD no frequency). This sequence change replaces phenylalanine, which is neutral and non-polar, with leucine, which is neutral and non-polar, at codon 485 of the SPATA7 protein (p.Phe485Leu).